The following is an entry in ClinVar:

NM_001166108.2(PALLD):c.490C>G (p.Pro164Ala)

Gene: PALLD (palladin, cytoskeletal associated protein; plus strand). Cytogenetic location: 4q32.3.
Variant type: single nucleotide variant.
Coding change: c.490C>G on transcript NM_001166108.2 (MANE Select); coding-DNA position 490, C replaced by G.
Protein change: p.Pro164Ala; replaces proline 164 with alanine.
Molecular consequence: missense variant.
Genome position (GRCh38, 1-based): chr4:168,511,994, C>G. VCF-style: chr4-168511994-C-G. GRCh37 (hg19) VCF-style: chr4-169433145-C-G.
Other names: c.490C>G, p.Pro164Ala (NM_016081.4); short protein forms P164A.
Identifiers: ClinVar variation 1744028 (VCV001744028.2), dbSNP rs2531433242, ClinGen allele CA358726137.

ClinVar aggregate classification (germline): Uncertain significance (1 of 4 stars; one submission).

Submission:

Ambry Genetics
Classification: Uncertain significance. Last evaluated: 2022-07-19. Review status: criteria provided, single submitter. Criteria: Ambry Variant Classification Scheme 2023. Collection method: clinical testing. Allele origin: germline.
Comment: The p.P164A variant (also known as c.490C>G), located in coding exon 1 of the PALLD gene, results from a C to G substitution at nucleotide position 490. The proline at codon 164 is replaced by alanine, an amino acid with highly similar properties. This amino acid position is conserved. In addition, this alteration is predicted to be tolerated by in silico analysis. Since supporting evidence is limited at this time, the clinical significance of this alteration remains unclear.